The following is an entry in ClinVar:

NM_000154.2(GALK1):c.574A>C (p.Met192Leu)

Gene: GALK1 (galactokinase 1; minus strand). Cytogenetic location: 17q25.1.
Variant type: single nucleotide variant.
Coding change: c.574A>C on transcript NM_000154.2 (MANE Select); coding-DNA position 574, A replaced by C.
Protein change: p.Met192Leu; replaces methionine 192 with leucine.
Molecular consequence: missense variant.
Genome position (GRCh38, 1-based): chr17:75,763,051, T>G on the plus strand (A>C on the coding strand, the complement: GALK1 is on the minus strand). VCF-style: chr17-75763051-T-G. GRCh37 (hg19) VCF-style: chr17-73759132-T-G.
Other names: c.574A>C, p.Met192Leu (NM_001381985.1); short protein forms M192L.
Identifiers: ClinVar variation 4981630 (VCV004981630.1).
Genomic context (GRCh38, chr17:75,763,051, plus strand): 5'-GGGACGAGGGGAGCGAGCCCAACCTGCAGTCAATGAGCAGCGCGTGGCCTTTCTGTCCCA[T>G]AAGTGAGATGAACTGGTCCATGATGCCACAGGGCATCCCTGCGAAGCTGTGCTCGGCCTG-3'
Protein context (NP_000145.1, residues 182-202): CGIMDQFISL[Met192Leu]GQKGHALLID

ClinVar aggregate classification (germline): Uncertain significance (1 of 4 stars; one submission).

Conditions:
GALK1-related disorder. Also called: GALK1-related condition.

Submission:

PreventionGenetics, part of Exact Sciences
Classification: Uncertain significance for GALK1-related condition. Last evaluated: 2026-03-13. Review status: criteria provided, single submitter. Criteria: ACMG Guidelines, 2015. Collection method: clinical testing. Allele origin: germline.
Comment: The GALK1 c.574A>C variant is predicted to result in the amino acid substitution p.Met192Leu. To our knowledge, this variant has not been reported in the literature or in a large population database (gnomAD), indicating this variant is rare. At this time, the clinical significance of this variant is uncertain due to the absence of conclusive functional and genetic evidence.